The following is an entry in ClinVar:

NC_000007.14:g.156789600G>A

Genes: LMBR1 (limb development membrane protein 1; minus strand), SHH (sonic hedgehog signaling molecule; minus strand). Cytogenetic location: 7q36.3.
Variant type: single nucleotide variant.
Molecular consequence: intron variant (on NM_022458.4).
Genome position: GRCh38 VCF-style: chr7-156789600-G-A. GRCh37 (hg19) VCF-style: chr7-156582294-G-A.
Other names: c.360+6789C>T (NM_001363412.2); c.144+6789C>T (NM_001350954.2); c.423+6789C>T (NM_001363410.2, NM_022458.4, NM_001363409.2 and 1 more transcripts); c.-112+6789C>T (NM_001350958.2, NM_001350956.2, NM_001350955.2 and 1 more transcripts); c.54+6789C>T (NM_001350957.2, NM_001363411.2).
Identifiers: ClinVar variation 2870151 (VCV002870151.3), dbSNP rs573676108, ClinGen allele CA169823291.

ClinVar aggregate classification (germline): Uncertain significance (1 of 4 stars; one submission).

Conditions:
Holoprosencephaly 3 (HPE3). Identifiers: Orphanet 2162, MedGen C1840529, MONDO:0007733, OMIM 142945.

Allele frequency attached by ClinVar (database versions not stated): TOPMed 0.00006; gnomAD 0.00007.
gnomAD v4.1: 11 of 152,106 alleles (0.0072%); highest among the groups gnomAD compares: Non-Finnish European, 0.013%; no homozygotes.

Submission:

Labcorp Genetics (formerly Invitae), Labcorp
Classification: Uncertain significance for Holoprosencephaly 3. Last evaluated: 2025-06-30. Review status: criteria provided, single submitter. Criteria: Invitae Variant Classification Sherloc (09022015). Collection method: clinical testing. Allele origin: germline.
Comment: This variant occurs in a non-coding region of the SHH gene. It does not change the encoded amino acid sequence of the SHH protein. This variant is present in population databases (rs573676108, gnomAD 0.06%). This variant has not been reported in the literature in individuals affected with SHH-related conditions. Experimental studies and prediction algorithms are not available or were not evaluated, and the effect of this variant on mRNA splicing is currently unknown. In summary, the available evidence is currently insufficient to determine the role of this variant in disease. Therefore, it has been classified as a Variant of Uncertain Significance.